The following is an entry in ClinVar:

ClinVar aggregate classification (germline): Pathogenic (1 of 4 stars; one submission).

Submission:

Labcorp Genetics (formerly Invitae), Labcorp
Classification: Pathogenic. Last evaluated: 2022-04-05. Review status: criteria provided, single submitter. Criteria: Invitae Variant Classification Sherloc (09022015). Collection method: clinical testing. Allele origin: germline.
Comment: This variant has not been reported in the literature in individuals affected with VPS13A-related conditions. This sequence change creates a premature translational stop signal (p.Gln1068Leufs*18) in the VPS13A gene. It is expected to result in an absent or disrupted protein product. Loss-of-function variants in VPS13A are known to be pathogenic (PMID: 12404112, 21598378). This variant is not present in population databases (gnomAD no frequency). For these reasons, this variant has been classified as Pathogenic.

Literature cited by the submitters: PubMed 12404112; PubMed 21598378.

NM_033305.3(VPS13A):c.3200_3201insCC (p.Gln1068fs)

Gene: VPS13A (vacuolar protein sorting 13 homolog A; plus strand). Cytogenetic location: 9q21.2.
Variant type: Insertion.
Coding change: c.3200_3201insCC on transcript NM_033305.3 (MANE Select); coding-DNA positions 3200 to 3201, CC inserted.
Protein change: p.Gln1068fs; shifts the reading frame from glutamine 1068.
Molecular consequence: frameshift variant. On other transcripts: intron variant (1).
Genome position: GRCh38 VCF-style: chr9-77283436-A-ACC. GRCh37 (hg19) VCF-style: chr9-79898352-A-ACC.
Other names: c.3200_3201insCC, p.Gln1068fs (NM_001018038.3, NM_015186.4); c.3119-111_3119-110insCC (NM_001018037.2); short protein forms Q1068fs.
Identifiers: ClinVar variation 2121814 (VCV002121814.4), dbSNP rs2537847940, ClinGen allele CA2580080576.